The following is an entry in ClinVar:

NM_004370.6(COL12A1):c.7925_7926del (p.Thr2642fs)

Gene: COL12A1 (collagen type XII alpha 1 chain; minus strand). Cytogenetic location: 6q13.
Variant type: Deletion.
Coding change: c.7925_7926del on transcript NM_004370.6 (MANE Select); coding-DNA positions 7925 to 7926, 2 bases deleted (CA; older notation c.7925_7926delCA).
Protein change: p.Thr2642fs; shifts the reading frame from threonine 2642.
Molecular consequence: frameshift variant.
Genome position (GRCh38, 1-based): chr6:75,113,228-75,113,229, TG deleted on the plus strand (CA on the coding strand, the reverse complement: COL12A1 is on the minus strand); deleting any 2 consecutive bases within chr6:75,113,228-75,113,230 gives the same sequence; the c. name uses the placement nearest the transcript's 3' end. VCF-style (leftmost placement, unchanged base first): chr6-75113227-ATG-A. GRCh37 (hg19) VCF-style: chr6-75822943-ATG-A.
Other names: c.4433_4434del, p.Thr1478fs (NM_080645.3); short protein forms T1478fs, T2642fs.
Identifiers: ClinVar variation 661356 (VCV000661356.7), dbSNP rs1582068925, ClinGen allele CA915944339.

ClinVar aggregate classification (germline): Pathogenic (1 of 4 stars; one submission).

Conditions:
Ullrich congenital muscular dystrophy 2 (UCMD2). Identifiers: Orphanet 75840, MedGen C4225314, MONDO:0014654, OMIM 616470.
Bethlem myopathy 2 (BTHLM2). Identifiers: Orphanet 536516, Orphanet 610, MedGen C4225313, MONDO:0034022, OMIM 616471.

Submission:

Labcorp Genetics (formerly Invitae), Labcorp
Classification: Pathogenic for Bethlem myopathy 2; Ullrich congenital muscular dystrophy 2. Last evaluated: 2018-10-22. Review status: criteria provided, single submitter. Criteria: Invitae Variant Classification Sherloc (09022015). Collection method: clinical testing. Allele origin: germline.
Comment: This sequence change creates a premature translational stop signal (p.Thr2642Ilefs*19) in the COL12A1 gene. It is expected to result in an absent or disrupted protein product. This variant is not present in population databases (ExAC no frequency). This variant has not been reported in the literature in individuals with COL12A1-related disease. Loss-of-function variants in COL12A1 are known to be pathogenic (PMID: 24334604, 24334769, 27159402, 27348394, 224334604). For these reasons, this variant has been classified as Pathogenic.

Literature cited by the submitters: PubMed 24334604; PubMed 24334769; PubMed 27159402; PubMed 27348394; PubMed 224334604.